The following is an entry in ClinVar:

ClinVar aggregate classification (germline): Uncertain significance (1 of 4 stars; one submission).

Allele frequency attached by ClinVar (database versions not stated): gnomAD exomes below 0.00001; ExAC 0.00001; TOPMed 0.00001; ESP Exome Variant Server 0.00009.

Submission:

Labcorp Genetics (formerly Invitae), Labcorp
Classification: Uncertain significance. Last evaluated: 2023-01-08. Review status: criteria provided, single submitter. Criteria: Invitae Variant Classification Sherloc (09022015). Collection method: clinical testing. Allele origin: germline.
Comment: This sequence change replaces asparagine, which is neutral and polar, with threonine, which is neutral and polar, at codon 36 of the PGK1 protein (p.Asn36Thr). In summary, the available evidence is currently insufficient to determine the role of this variant in disease. Therefore, it has been classified as a Variant of Uncertain Significance. Advanced modeling of protein sequence and biophysical properties (such as structural, functional, and spatial information, amino acid conservation, physicochemical variation, residue mobility, and thermodynamic stability) performed at Invitae indicates that this missense variant is expected to disrupt PGK1 protein function. This variant has not been reported in the literature in individuals affected with PGK1-related conditions. This variant is present in population databases (rs141397576, gnomAD 0.01%).

NM_000291.4(PGK1):c.107A>C (p.Asn36Thr)

Gene: PGK1 (phosphoglycerate kinase 1; plus strand). Cytogenetic location: Xq21.1.
Variant type: single nucleotide variant.
Coding change: c.107A>C on transcript NM_000291.4 (MANE Select); coding-DNA position 107, A replaced by C.
Protein change: p.Asn36Thr; replaces asparagine 36 with threonine.
Molecular consequence: missense variant.
Genome position (GRCh38, 1-based): chrX:78,109,908, A>C. VCF-style: chrX-78109908-A-C. GRCh37 (hg19) VCF-style: chrX-77365405-A-C.
Other names: short protein forms N36T.
Identifiers: ClinVar variation 3008366 (VCV003008366.3), dbSNP rs141397576, ClinGen allele CA10459605.